The following is an entry in ClinVar:

ClinVar aggregate classification (germline): Conflicting classifications of pathogenicity. Review status: criteria provided, conflicting classifications (1 of 4 stars). 7 submissions from 7 submitters: Uncertain significance (5); Likely benign (1). 1 of the submissions does not count toward it. Last evaluated 2025-10-23.

Conditions:
CYP4V2-related disorder. Also called: CYP4V2-related disorders; CYP4V2-related condition.
Retinal dystrophy. Also called: Inherited retinal dystrophy. Identifiers: Orphanet 71862, MedGen C0854723, MeSH D058499, MONDO:0019118, HP:0000556.
Bietti crystalline corneoretinal dystrophy (BCD). Also called: Bietti Crystalline Dystrophy; BIETTI TAPETORETINAL DEGENERATION WITH MARGINAL CORNEAL DYSTROPHY. Identifiers: Orphanet 41751, MedGen C1859486, MONDO:0008865, OMIM 210370.
Corneal dystrophy. Identifiers: Orphanet 34533, MedGen C0010036, MONDO:0018102, HP:0001131.

Allele frequency attached by ClinVar (database versions not stated): gnomAD 0.00004 and 0.00005; TOPMed 0.00012; gnomAD exomes 0.00027; ExAC 0.00030.
gnomAD v4.1: 70 of 1,613,994 alleles (0.0043%); highest among the groups gnomAD compares: East Asian, 0.14%; no homozygotes.

Submissions (7):

Labcorp Genetics (formerly Invitae), Labcorp
Classification: Likely benign. Last evaluated: 2025-10-23. Review status: criteria provided, single submitter. Criteria: Invitae Variant Classification Sherloc (09022015). Collection method: clinical testing. Allele origin: germline.

PreventionGenetics, part of Exact Sciences
Classification: Uncertain significance for CYP4V2-related condition. Last evaluated: 2025-07-17. Review status: criteria provided, single submitter. Criteria: ACMG Guidelines, 2015. Collection method: clinical testing. Allele origin: germline.
Comment: The CYP4V2 c.237G>T variant is predicted to result in the amino acid substitution p.Glu79Asp. These variants have been reported in 0.35% and 0.85% of alleles in individuals of East Asian descent in gnomAD, which is higher than expected for a fully penetrant pathogenic CYP4V2 variant. Additionally, in all four cases in which we have observed the more rare c.237G>T variant in patients undergoing testing for a variety of disorders at PreventionGenetics, we have also detected the more common c.367A>G variant, both in the heterozygous state with unknown phase. We suspect that these variants may reside on the same allele (cis phase) in at least some of the previously reported patients, making their role in causing disease in this gene associated with an autosomal recessive disorder uncertain. Therefore, while we suspect the more common c.367A>G variant may be benign, at this time the clinical significance of both variants is uncertain due to the absence of conclusive functional and genetic evidence.

Blueprint Genetics
Classification: Uncertain significance. Last evaluated: 2023-07-13. Review status: criteria provided, single submitter. Criteria: ACMG Guidelines, 2015. Collection method: clinical testing. Allele origin: germline.

CeGaT Center for Human Genetics Tuebingen
Classification: Uncertain significance. Last evaluated: 2019-08-01. Review status: criteria provided, single submitter. Criteria: CeGaT Center For Human Genetics Tuebingen Variant Classification Criteria Version 2. Collection method: clinical testing. Allele origin: germline. Affected: yes. Observed: 1 variant allele.

Illumina Laboratory Services, Illumina
Classification: Uncertain significance for Corneal dystrophy. Last evaluated: 2017-04-27. Review status: criteria provided, single submitter. Criteria: ICSL Variant Classification Criteria 13 December 2019. Collection method: clinical testing. Allele origin: germline.

Institute of Human Genetics, Univ. Regensburg, Univ. Regensburg
Classification: Uncertain significance for Retinal dystrophy. Last evaluated: 2017-01-01. Review status: criteria provided, single submitter. Criteria: ACMG Guidelines, 2015. Collection method: clinical testing. Allele origin: germline. Affected: yes.

GeneReviews
Classification: Pathogenic for Bietti Crystalline Dystrophy. Last evaluated: 2012-04-12. Review status: no assertion criteria provided. Collection method: curation. Allele origin: unknown. Not counted in ClinVar's aggregate classification.
ClinVar note: Converted during submission from pathologic to Pathogenic.

Literature cited by the submitters: PubMed 15042513 (cited by Institute of Human Genetics, Univ. Regensburg, Univ. Regensburg); PubMed 28453600 (cited by Institute of Human Genetics, Univ. Regensburg, Univ. Regensburg); PubMed 31872526 (cited by Institute of Human Genetics, Univ. Regensburg, Univ. Regensburg); PubMed 33090715 (cited by Institute of Human Genetics, Univ. Regensburg, Univ. Regensburg); PubMed 34923510 (cited by Institute of Human Genetics, Univ. Regensburg, Univ. Regensburg); PubMed 34426522 (cited by Institute of Human Genetics, Univ. Regensburg, Univ. Regensburg); PubMed 33816482 (cited by Institute of Human Genetics, Univ. Regensburg, Univ. Regensburg).

NM_207352.4(CYP4V2):c.237G>T (p.Glu79Asp)

Gene: CYP4V2 (cytochrome P450 family 4 subfamily V member 2; plus strand). Cytogenetic location: 4q35.1.
Variant type: single nucleotide variant.
Coding change: c.237G>T on transcript NM_207352.4 (MANE Select); coding-DNA position 237, G replaced by T.
Protein change: p.Glu79Asp; replaces glutamic acid 79 with aspartic acid.
Molecular consequence: missense variant.
Genome position (GRCh38, 1-based): chr4:186,194,522, G>T. VCF-style: chr4-186194522-G-T. GRCh37 (hg19) VCF-style: chr4-187115676-G-T.
Other names: c.541G>T; short protein forms E79D.
Identifiers: ClinVar variation 39259 (VCV000039259.60), dbSNP rs199476185, ClinGen allele CA343723.